The following is an entry in ClinVar:

ClinVar aggregate classification (germline): Uncertain significance. Review status: criteria provided, multiple submitters, no conflicts (2 of 4 stars). 2 submissions from 2 submitters: Uncertain significance (2). Last evaluated 2025-12-03.

Conditions:
Neurodevelopmental disorder with dysmorphic facies and thin corpus callosum. Identifiers: MedGen C5551361, MONDO:0859179, OMIM 619480.
Inborn genetic diseases. Identifiers: MedGen C0950123, MeSH D030342.

Submissions (2):

Dasa
Classification: Uncertain significance for Neurodevelopmental disorder with dysmorphic facies and thin corpus callosum. Last evaluated: 2025-12-03. Review status: criteria provided, single submitter. Criteria: DASA Assertion Criteria. Collection method: clinical testing. Allele origin: germline.
Comment: NM_007192.4(SUPT16H):c.538C>T (p.Leu180Phe) is a missense variant that results in the substitution of leucine with phenylalanine. This variant is rare in population databases. The currently available literature and clinical evidence are not sufficient to establish a definitive association between this variant and the reported condition. Therefore, this variant is classified as a variant of uncertain significance.

Ambry Genetics
Classification: Uncertain significance for Inborn genetic diseases. Last evaluated: 2024-11-20. Review status: criteria provided, single submitter. Criteria: Ambry Variant Classification Scheme 2023. Collection method: clinical testing. Allele origin: germline.

NM_007192.4(SUPT16H):c.538C>T (p.Leu180Phe)

Gene: SUPT16H (SPT16 homolog, facilitates chromatin remodeling subunit; minus strand). Cytogenetic location: 14q11.2.
Variant type: single nucleotide variant.
Coding change: c.538C>T on transcript NM_007192.4 (MANE Select); coding-DNA position 538, C replaced by T.
Protein change: p.Leu180Phe; replaces leucine 180 with phenylalanine.
Molecular consequence: missense variant.
Genome position (GRCh38, 1-based): chr14:21,369,842, G>A on the plus strand (C>T on the coding strand, the complement: SUPT16H is on the minus strand). VCF-style: chr14-21369842-G-A. GRCh37 (hg19) VCF-style: chr14-21838001-G-A.
Other names: short protein forms L180F.
Identifiers: ClinVar variation 3451335 (VCV003451335.3).
Genomic context (GRCh38, chr14:21,369,842, plus strand): 5'-CCTTGAAGAATTTGTTGAAGACTTCAGAAGTGATGCTGGCTGCTTTCTTCATTAGGTTGA[G>A]CTCCCCATCCTCCTTTACAGCGATGGTATATGCCACAACTGCACTGATATCTATCTGCAG-3'
Protein context (NP_009123.1, residues 170-190): YTIAVKEDGE[Leu180Phe]NLMKKAASIT